The following is an entry in ClinVar:

ClinVar aggregate classification (germline): Benign/Likely benign. Review status: criteria provided, multiple submitters, no conflicts (2 of 4 stars). 3 submissions from 3 submitters: Benign (2); Likely benign (1). Last evaluated 2018-06-14.

Conditions:
Danon disease. Also called: ANTOPOL DISEASE; PSEUDOGLYCOGENOSIS II; GSD IIb; LYSOSOMAL GLYCOGEN STORAGE DISEASE WITHOUT ACID MALTASE DEFICIENCY; Glycogen Storage Disease Type IIb. Identifiers: Orphanet 34587, MedGen C0878677, MONDO:0010281, OMIM 300257.

Allele frequency attached by ClinVar (database versions not stated): gnomAD exomes 0.00864; gnomAD 0.09185 and 0.09815; 1000 Genomes Project 0.10040; 1000 Genomes Project 30x 0.10343; TOPMed 0.10601.
gnomAD v4.1: 17,480 of 910,480 alleles (1.9%); highest among the groups gnomAD compares: African/African-American, 31%; 1,828 homozygotes.

Submissions (3):

GeneDx
Classification: Benign. Last evaluated: 2018-06-14. Review status: criteria provided, single submitter. Criteria: GeneDx Variant Classification Process June 2021. Collection method: clinical testing. Allele origin: germline. Affected: yes.

Illumina Laboratory Services, Illumina
Classification: Benign for Danon disease. Last evaluated: 2018-01-13. Review status: criteria provided, single submitter. Criteria: ICSL Variant Classification Criteria 13 December 2019. Collection method: clinical testing. Allele origin: germline.
Comment: This variant was observed in the ICSL laboratory as part of a predisposition screen in an ostensibly healthy population. It had not been previously curated by ICSL or reported in the Human Gene Mutation Database (HGMD: prior to June 1st, 2018), and was therefore a candidate for classification through an automated scoring system. Utilizing variant allele frequency, disease prevalence and penetrance estimates, and inheritance mode, an automated score was calculated to assess if this variant is too frequent to cause the disease. Based on the score and internal cut-off values, a variant classified as benign is not then subjected to further curation. The score for this variant resulted in a classification of benign for this disease.

Breakthrough Genomics
Classification: Likely benign. Review status: criteria provided, single submitter. Criteria: ACMG Guidelines, 2015. Collection method: not provided. Allele origin: germline. Inheritance: X-linked inheritance. Affected: yes.

NM_002294.3(LAMP2):c.*297A>C

Gene: LAMP2 (lysosome associated membrane protein 2; minus strand). Cytogenetic location: Xq24.
Variant type: single nucleotide variant.
Coding change: c.*297A>C on transcript NM_002294.3 (MANE Select); 297 bases downstream of the stop codon, A replaced by C.
Molecular consequence: 3 prime UTR variant. On other transcripts: intron variant (1).
Genome position (GRCh38, 1-based): chrX:120,431,026, T>G on the plus strand (A>C on the coding strand, the complement: LAMP2 is on the minus strand). VCF-style: chrX-120431026-T-G. GRCh37 (hg19) VCF-style: chrX-119564881-T-G.
Other names: c.1094-2400A>C (NM_001122606.1).
Identifiers: ClinVar variation 367783 (VCV000367783.9), dbSNP rs8160, ClinGen allele CA10653761.
Genomic context (GRCh38, chrX:120,431,026, plus strand): 5'-TTAAGACACAACTACATATTTTATTCTTATAATGGCCATGTTAATAAGTTCAAGGCATAC[T>G]TCAAGGTTAGGATCAAAATTTGGCCAGGGCTTCTTAAGATAGACCTTAAAACATTGCACG-3'